The following is an entry in ClinVar:

NM_004370.6(COL12A1):c.3736G>A (p.Asp1246Asn)

Gene: COL12A1 (collagen type XII alpha 1 chain; minus strand). Cytogenetic location: 6q13.
Variant type: single nucleotide variant.
Coding change: c.3736G>A on transcript NM_004370.6 (MANE Select); coding-DNA position 3736, G replaced by A.
Protein change: p.Asp1246Asn; replaces aspartic acid 1246 with asparagine.
Molecular consequence: missense variant.
Genome position (GRCh38, 1-based): chr6:75,152,230, C>T on the plus strand (G>A on the coding strand, the complement: COL12A1 is on the minus strand). VCF-style: chr6-75152230-C-T. GRCh37 (hg19) VCF-style: chr6-75861946-C-T.
Other names: c.244G>A, p.Asp82Asn (NM_080645.3); short protein forms D82N, D1246N.
Identifiers: ClinVar variation 659674 (VCV000659674.9), dbSNP rs1582139804, ClinGen allele CA364749625.
Genomic context (GRCh38, chr6:75,152,230, plus strand): 5'-CAGCTTGCAACAAGCTCTTCTTGTCTCTGTGTGCATTTAACTGCCACTCTGTTCTGGGAT[C>T]CCCACTATACTGAGCAAGAGCTAAAATGACACCACTGGCATTAGTGCATGTGAAAGAGAA-3'
Protein context (NP_004361.3, residues 1236-1256): VQIALAQYSG[Asp1246Asn]PRTEWQLNAH

ClinVar aggregate classification (germline): Uncertain significance (1 of 4 stars; one submission).

Conditions:
Ullrich congenital muscular dystrophy 2 (UCMD2). Identifiers: Orphanet 75840, MedGen C4225314, MONDO:0014654, OMIM 616470.
Bethlem myopathy 2 (BTHLM2). Identifiers: Orphanet 536516, Orphanet 610, MedGen C4225313, MONDO:0034022, OMIM 616471.

Submission:

Labcorp Genetics (formerly Invitae), Labcorp
Classification: Uncertain significance for Bethlem myopathy 2; Ullrich congenital muscular dystrophy 2. Last evaluated: 2018-08-21. Review status: criteria provided, single submitter. Criteria: Invitae Variant Classification Sherloc (09022015). Collection method: clinical testing. Allele origin: germline.
Comment: In summary, the available evidence is currently insufficient to determine the role of this variant in disease. Therefore, it has been classified as a Variant of Uncertain Significance. This sequence change replaces aspartic acid with asparagine at codon 1246 of the COL12A1 protein (p.Asp1246Asn). The aspartic acid residue is highly conserved and there is a small physicochemical difference between aspartic acid and asparagine. This variant is not present in population databases (ExAC no frequency). This variant has not been reported in the literature in individuals with COL12A1-related disease. Algorithms developed to predict the effect of missense changes on protein structure and function are either unavailable or do not agree on the potential impact of this missense change (SIFT: "Deleterious"; PolyPhen-2: "Probably Damaging"; Align-GVGD: "Class C0").